The following is an entry in ClinVar:

NM_020461.4(TUBGCP6):c.5152C>T (p.His1718Tyr)

Gene: TUBGCP6 (tubulin gamma complex component 6; minus strand). Cytogenetic location: 22q13.33.
Variant type: single nucleotide variant.
Coding change: c.5152C>T on transcript NM_020461.4 (MANE Select); coding-DNA position 5152, C replaced by T.
Protein change: p.His1718Tyr; replaces histidine 1718 with tyrosine.
Molecular consequence: missense variant.
Genome position (GRCh38, 1-based): chr22:50,218,205, G>A on the plus strand (C>T on the coding strand, the complement: TUBGCP6 is on the minus strand). VCF-style: chr22-50218205-G-A. GRCh37 (hg19) VCF-style: chr22-50656634-G-A.
Other names: c.5152C>T (NM_020461.3); short protein forms H1718Y.
Identifiers: ClinVar variation 2192525 (VCV002192525.2), dbSNP rs757566093, ClinGen allele CA10307157.

ClinVar aggregate classification (germline): Uncertain significance. Review status: criteria provided, multiple submitters, no conflicts (2 of 4 stars). 2 submissions from 2 submitters: Uncertain significance (2). Last evaluated 2025-09-10.

Conditions:
Inborn genetic diseases. Identifiers: MedGen C0950123, MeSH D030342.

Allele frequency attached by ClinVar (database versions not stated): gnomAD exomes 0.00001; ExAC 0.00003; gnomAD 0.00003; TOPMed 0.00004.
gnomAD v4.1: 17 of 1,612,042 alleles (0.0011%); highest among the groups gnomAD compares: African/African-American, 0.0053%; no homozygotes.

Submissions (2):

Ambry Genetics
Classification: Uncertain significance for Inborn genetic diseases. Last evaluated: 2025-09-10. Review status: criteria provided, single submitter. Criteria: Ambry Variant Classification Scheme 2023. Collection method: clinical testing. Allele origin: germline.

Labcorp Genetics (formerly Invitae), Labcorp
Classification: Uncertain significance. Last evaluated: 2022-08-20. Review status: criteria provided, single submitter. Criteria: Invitae Variant Classification Sherloc (09022015). Collection method: clinical testing. Allele origin: germline.
Comment: This sequence change replaces histidine, which is basic and polar, with tyrosine, which is neutral and polar, at codon 1718 of the TUBGCP6 protein (p.His1718Tyr). This variant is present in population databases (rs757566093, gnomAD 0.01%). This variant has not been reported in the literature in individuals affected with TUBGCP6-related conditions. Algorithms developed to predict the effect of missense changes on protein structure and function are either unavailable or do not agree on the potential impact of this missense change (SIFT: "Tolerated"; PolyPhen-2: "Probably Damaging"; Align-GVGD: "Class C0"). In summary, the available evidence is currently insufficient to determine the role of this variant in disease. Therefore, it has been classified as a Variant of Uncertain Significance.